The following is an entry in ClinVar:

NM_001283009.2(RTEL1):c.2932T>C (p.Tyr978His)

Genes: RTEL1-TNFRSF6B (RTEL1-TNFRSF6B readthrough (NMD candidate); plus strand), RTEL1 (regulator of telomere elongation helicase 1; plus strand). Cytogenetic location: 20q13.33.
Variant type: single nucleotide variant.
Coding change: c.2932T>C on transcript NM_001283009.2 (MANE Select); coding-DNA position 2932, T replaced by C.
Protein change: p.Tyr978His; replaces tyrosine 978 with histidine.
Molecular consequence: missense variant. On other transcripts: non-coding transcript variant (1).
Genome position (GRCh38, 1-based): chr20:63,693,223, T>C. VCF-style: chr20-63693223-T-C. GRCh37 (hg19) VCF-style: chr20-62324576-T-C.
Other names: c.2263T>C, p.Tyr755His (NM_001283010.1); c.2932T>C, p.Tyr978His (NM_016434.4); c.3004T>C, p.Tyr1002His (NM_032957.5); short protein forms Y1002H, Y978H, Y755H.
Identifiers: ClinVar variation 844452 (VCV000844452.9), dbSNP rs534046818, ClinGen allele CA9965660.
Genomic context (GRCh38, chr20:63,693,223, plus strand): 5'-CCCCACCATAAGCAGCAGTTTGAGGAGGTCTGTATCCAGCTGACAGGACGAGGCTGTGGC[T>C]ATCGGCCTGAGCACAGCATTCCCCGAAGGCAGCGGGCACAGCCGGTCCTGGACCCCACTG-3'
Protein context (NP_001269938.1, residues 968-988): CIQLTGRGCG[Tyr978His]RPEHSIPRRQ

ClinVar aggregate classification (germline): Uncertain significance. Review status: criteria provided, multiple submitters, no conflicts (2 of 4 stars). 5 submissions from 5 submitters: Uncertain significance (4). 1 of the submissions does not count toward it. Last evaluated 2024-12-23.

Conditions:
Pulmonary fibrosis and/or bone marrow failure, Telomere-related, 3. Also called: PULMONARY FIBROSIS AND/OR BONE MARROW FAILURE SYNDROME, TELOMERE-RELATED, 3. Identifiers: Orphanet 2032, MedGen C4225346, MONDO:0014613, OMIM 616373.
Dyskeratosis congenita, autosomal recessive 5 (DKCB5). Identifiers: MedGen C3554656, MONDO:0014076, OMIM 615190.
Inborn genetic diseases. Identifiers: MedGen C0950123, MeSH D030342.
Dyskeratosis congenita. Identifiers: Orphanet 1775, MedGen C0265965, MONDO:0015780.

Allele frequency attached by ClinVar (database versions not stated): gnomAD below 0.00001 and 0.00004; TOPMed below 0.00001; gnomAD exomes 0.00010; ExAC 0.00016; 1000 Genomes Project 30x 0.00078; 1000 Genomes Project 0.00080.
gnomAD v4.1: 72 of 1,612,116 alleles (0.0045%); highest among the groups gnomAD compares: South Asian, 0.072%; no homozygotes.

Submissions (5):

Ambry Genetics
Classification: Uncertain significance for Inborn genetic diseases. Last evaluated: 2024-12-23. Review status: criteria provided, single submitter. Criteria: Ambry Variant Classification Scheme 2023. Collection method: clinical testing. Allele origin: germline.
Comment: The p.Y978H variant (also known as c.2932T>C), located in coding exon 29 of the RTEL1 gene, results from a T to C substitution at nucleotide position 2932. The tyrosine at codon 978 is replaced by histidine, an amino acid with similar properties. This amino acid position is conserved. In addition, this alteration is predicted to be tolerated by in silico analysis. Based on the available evidence, the clinical significance of this variant remains unclear.

GeneDx
Classification: Uncertain significance. Last evaluated: 2024-12-10. Review status: criteria provided, single submitter. Criteria: GeneDx Variant Classification Process June 2021. Collection method: clinical testing. Allele origin: germline. Affected: yes.
Comment: In silico analysis supports that this missense variant has a deleterious effect on protein structure/function; Has not been previously published as pathogenic or benign to our knowledge

Labcorp Genetics (formerly Invitae), Labcorp
Classification: Uncertain significance for Dyskeratosis congenita, autosomal recessive 5; Pulmonary fibrosis and/or bone marrow failure, Telomere-related, 3. Last evaluated: 2024-06-30. Review status: criteria provided, single submitter. Criteria: Invitae Variant Classification Sherloc (09022015). Collection method: clinical testing. Allele origin: germline.
Comment: This sequence change replaces tyrosine, which is neutral and polar, with histidine, which is basic and polar, at codon 978 of the RTEL1 protein (p.Tyr978His). This variant is present in population databases (rs534046818, gnomAD 0.08%). This variant has not been reported in the literature in individuals affected with RTEL1-related conditions. ClinVar contains an entry for this variant (Variation ID: 844452). Algorithms developed to predict the effect of missense changes on protein structure and function output the following: SIFT: "Not Available"; PolyPhen-2: "Benign"; Align-GVGD: "Not Available". The histidine amino acid residue is found in multiple mammalian species, which suggests that this missense change does not adversely affect protein function. In summary, the available evidence is currently insufficient to determine the role of this variant in disease. Therefore, it has been classified as a Variant of Uncertain Significance.

Johns Hopkins Genomics, Johns Hopkins University
Classification: Uncertain significance for Pulmonary fibrosis and/or bone marrow failure, Telomere-related, 3. Last evaluated: 2020-04-15. Review status: criteria provided, single submitter. Criteria: ACMG Guidelines, 2015. Collection method: clinical testing. Allele origin: germline.
Comment: This RTEL1 variant (rs534046818) is rare (<0.1%) in a large population dataset (gnomAD: 26/249164 total alleles; 0.01%; no homozygotes) and has not been reported in ClinVar nor the literature, to our knowledge. Of three bioinformatics tools queried, two predict that the substitution would be deleterious, while one predicts that it would be tolerated. The tyrosine residue at this position is poorly evolutionarily conserved across the species assessed. Due to insufficient evidence, we consider the clinical significance of c.2932T>C to be uncertain at this time.

Natera, Inc.
Classification: Uncertain significance for Dyskeratosis congenita. Last evaluated: 2020-02-06. Review status: no assertion criteria provided. Collection method: clinical testing. Allele origin: germline. Not counted in ClinVar's aggregate classification.